The following is an entry in ClinVar:

NM_001035.3(RYR2):c.6934A>G (p.Ser2312Gly)

Gene: RYR2 (ryanodine receptor 2; plus strand). Cytogenetic location: 1q43.
Variant type: single nucleotide variant.
Coding change: c.6934A>G on transcript NM_001035.3 (MANE Select); coding-DNA position 6934, A replaced by G.
Protein change: p.Ser2312Gly; replaces serine 2312 with glycine.
Molecular consequence: missense variant.
Genome position (GRCh38, 1-based): chr1:237,639,020, A>G. VCF-style: chr1-237639020-A-G. GRCh37 (hg19) VCF-style: chr1-237802320-A-G.
Other names: c.6934A>G, p.Ser2312Gly (LRG_402t1); short protein forms S2312G.
Identifiers: ClinVar variation 404227 (VCV000404227.10), dbSNP rs1060500164, ClinGen allele CA16610033.

ClinVar aggregate classification (germline): Uncertain significance (1 of 4 stars; one submission).

Conditions:
Catecholaminergic polymorphic ventricular tachycardia 1. Also called: VENTRICULAR TACHYCARDIA, CATECHOLAMINERGIC POLYMORPHIC, 1, WITH OR WITHOUT ATRIAL DYSFUNCTION AND/OR DILATED CARDIOMYOPATHY; RYR2-Related Catecholaminergic Polymorphic Ventricular Tachycardia; VENTRICULAR TACHYCARDIA, STRESS-INDUCED POLYMORPHIC 1. Identifiers: Orphanet 3286, MedGen C1631597, MONDO:0011484, OMIM 604772.

Submission:

Labcorp Genetics (formerly Invitae), Labcorp
Classification: Uncertain significance for Catecholaminergic polymorphic ventricular tachycardia 1. Last evaluated: 2016-09-26. Review status: criteria provided, single submitter. Criteria: Invitae Variant Classification Sherloc (09022015). Collection method: clinical testing. Allele origin: germline.
Comment: This variant is not present in population databases (ExAC no frequency) and has not been reported in the literature in individuals with a RYR2-related disease. This sequence change replaces serine with glycine at codon 2312 of the RYR2 protein (p.Ser2312Gly). The serine residue is highly conserved and there is a small physicochemical difference between serine and glycine. Algorithms developed to predict the effect of missense changes on protein structure and function do not agree on the potential impact of this missense change (SIFT: "Deleterious"; PolyPhen-2: "Benign"; Align-GVGD: "Class C55"). This variant does not occur within one of the three regions of the RYR2 gene (N-terminal domain, central domain, or channel region) where other pathogenic variants have been reported to cluster (PMID: 19926015). In summary, this variant is a novel missense change with uncertain impact on protein function. It has been classified as a Variant of Uncertain Significance.

Literature cited by the submitters: PubMed 19926015.